The following is an entry in ClinVar:

ClinVar aggregate classification (germline): Uncertain significance (1 of 4 stars; one submission).

Conditions:
Hereditary cancer-predisposing syndrome. Also called: Tumor predisposition; Hereditary neoplastic syndrome; Neoplastic Syndromes, Hereditary; Hereditary Cancer Syndrome. Identifiers: Orphanet 140162, MedGen C0027672, MeSH D009386, MONDO:0015356.

gnomAD v4.1: 1 of 1,613,992 alleles (0.000062%); highest among the groups gnomAD compares: African/African-American, 0.0013%; no homozygotes.

Submission:

Ambry Genetics
Classification: Uncertain significance for Hereditary cancer-predisposing syndrome. Last evaluated: 2025-04-11. Review status: criteria provided, single submitter. Criteria: Ambry Variant Classification Scheme 2023. Collection method: clinical testing. Allele origin: germline.
Comment: The p.E43D variant (also known as c.129G>T), located in coding exon 1 of the FANCC gene, results from a G to T substitution at nucleotide position 129. The glutamic acid at codon 43 is replaced by aspartic acid, an amino acid with highly similar properties. This amino acid position is conserved. In addition, this alteration is predicted to be tolerated by in silico analysis. Based on the available evidence, the clinical significance of this variant remains unclear.

NM_000136.3(FANCC):c.129G>T (p.Glu43Asp)

Gene: FANCC (FA complementation group C; minus strand). Cytogenetic location: 9q22.32.
Variant type: single nucleotide variant.
Coding change: c.129G>T on transcript NM_000136.3 (MANE Select); coding-DNA position 129, G replaced by T.
Protein change: p.Glu43Asp; replaces glutamic acid 43 with aspartic acid.
Molecular consequence: missense variant.
Genome position (GRCh38, 1-based): chr9:95,249,163, C>A on the plus strand (G>T on the coding strand, the complement: FANCC is on the minus strand). VCF-style: chr9-95249163-C-A. GRCh37 (hg19) VCF-style: chr9-98011445-C-A.
Other names: c.129G>T, p.Glu43Asp (NM_001243744.2, NM_001243743.2); short protein forms E43D.
Identifiers: ClinVar variation 4022407 (VCV004022407.1).